The following is an entry in ClinVar:

ClinVar aggregate classification (germline): Likely benign (1 of 4 stars; one submission).

Allele frequency attached by ClinVar (database versions not stated): gnomAD exomes 0.00003; gnomAD 0.00005; TOPMed 0.00005; ExAC 0.00006.
gnomAD v4.1: 60 of 1,613,946 alleles (0.0037%); highest among the groups gnomAD compares: Non-Finnish European, 0.0046%; no homozygotes.

Submission:

CeGaT Center for Human Genetics Tuebingen
Classification: Likely benign. Last evaluated: 2022-04-01. Review status: criteria provided, single submitter. Criteria: CeGaT Center For Human Genetics Tuebingen Variant Classification Criteria Version 2. Collection method: clinical testing. Allele origin: germline. Affected: yes. Observed: 1 variant allele.
Comment: SPEN: BP4, BP7

NM_015001.3(SPEN):c.10182G>C (p.Gly3394=)

Gene: SPEN (spen family transcriptional repressor; plus strand). Cytogenetic location: 1p36.13.
Variant type: single nucleotide variant.
Coding change: c.10182G>C on transcript NM_015001.3 (MANE Select); coding-DNA position 10182, G replaced by C.
Protein change: p.Gly3394=; no amino-acid change (glycine 3394 retained).
Molecular consequence: synonymous variant.
Genome position (GRCh38, 1-based): chr1:15,937,318, G>C. VCF-style: chr1-15937318-G-C. GRCh37 (hg19) VCF-style: chr1-16263813-G-C.
Identifiers: ClinVar variation 2638348 (VCV002638348.24), dbSNP rs763691981, ClinGen allele CA620676.